The following is an entry in ClinVar:

ClinVar aggregate classification (germline): Likely benign. Review status: criteria provided, single submitter (1 of 4 stars). 2 submissions from 2 submitters: Likely benign (1). 1 of the submissions does not count toward it. Last evaluated 2023-09-17.

Conditions:
SMPD1-related disorder. Also called: SMPD1-related condition.
Niemann-Pick disease, type B. Also called: Chronic Visceral ASMD (Niemann-Pick Disease Type B; NPD-B). Identifiers: Orphanet 77293, MedGen C0268243, MONDO:0011871, OMIM 607616. Disease mechanism: loss of function.
Niemann-Pick disease, type A. Also called: SPHINGOMYELIN LIPIDOSIS; SPHINGOMYELINASE DEFICIENCY; Infantile Neurovisceral ASMD (Niemann-Pick Disease Type A; NPD-A). Identifiers: Orphanet 77292, MedGen C0268242, MONDO:0009756, OMIM 257200. Disease mechanism: loss of function.

Allele frequency attached by ClinVar (database versions not stated): gnomAD exomes below 0.00001; ExAC 0.00003; gnomAD 0.00005; TOPMed 0.00006.
gnomAD v4.1: 10 of 1,614,096 alleles (0.00062%); highest among the groups gnomAD compares: African/African-American, 0.012%; no homozygotes.

Submissions (2):

Labcorp Genetics (formerly Invitae), Labcorp
Classification: Likely benign for Niemann-Pick disease, type B; Niemann-Pick disease, type A. Last evaluated: 2023-09-17. Review status: criteria provided, single submitter. Criteria: Invitae Variant Classification Sherloc (09022015). Collection method: clinical testing. Allele origin: germline.

PreventionGenetics, part of Exact Sciences
Classification: Likely benign for SMPD1-related condition. Last evaluated: 2023-09-01. Review status: no assertion criteria provided. Collection method: clinical testing. Allele origin: germline. Not counted in ClinVar's aggregate classification.
Comment: This variant is classified as likely benign based on ACMG/AMP sequence variant interpretation guidelines (Richards et al. 2015 PMID: 25741868, with internal and published modifications).

NM_000543.5(SMPD1):c.925C>T (p.Leu309=)

Gene: SMPD1 (sphingomyelin phosphodiesterase 1; plus strand). Cytogenetic location: 11p15.4.
Variant type: single nucleotide variant.
Coding change: c.925C>T on transcript NM_000543.5 (MANE Select); coding-DNA position 925, C replaced by T.
Protein change: p.Leu309=; no amino-acid change (leucine 309 retained).
Molecular consequence: synonymous variant. On other transcripts: 5 prime UTR variant (1), non-coding transcript variant (1).
Genome position (GRCh38, 1-based): chr11:6,391,990, C>T. VCF-style: chr11-6391990-C-T. GRCh37 (hg19) VCF-style: chr11-6413220-C-T.
Other names: c.922C>T, p.Leu308= (NM_001007593.3); c.925C>T, p.Leu309= (NM_001318087.2, NM_001365135.2); c.-37C>T (NM_001318088.2); c.925C>T (NM_000543.4).
Identifiers: ClinVar variation 2953011 (VCV002953011.5), dbSNP rs767952915, ClinGen allele CA5852711.